The following is an entry in ClinVar:

NM_004990.4(MARS1):c.1906A>G (p.Thr636Ala)

Gene: MARS1 (methionyl-tRNA synthetase 1; plus strand). Cytogenetic location: 12q13.3.
Variant type: single nucleotide variant.
Coding change: c.1906A>G on transcript NM_004990.4 (MANE Select); coding-DNA position 1906, A replaced by G.
Protein change: p.Thr636Ala; replaces threonine 636 with alanine.
Molecular consequence: missense variant.
Genome position (GRCh38, 1-based): chr12:57,512,903, A>G. VCF-style: chr12-57512903-A-G. GRCh37 (hg19) VCF-style: chr12-57906686-A-G.
Other names: short protein forms T636A.
Identifiers: ClinVar variation 2936073 (VCV002936073.3), dbSNP rs2540315198, ClinGen allele CA385463340.

ClinVar aggregate classification (germline): Uncertain significance (1 of 4 stars; one submission).

Conditions:
Severe early-onset pulmonary alveolar proteinosis due to MARS deficiency. Also called: PULMONARY ALVEOLAR PROTEINOSIS, REUNION ISLAND; Interstitial lung and liver disease. Identifiers: Orphanet 440427, MedGen C4225400, MONDO:0014206, OMIM 615486.
Charcot-Marie-Tooth disease axonal type 2U. Also called: CHARCOT-MARIE-TOOTH NEUROPATHY, TYPE 2U; CHARCOT-MARIE-TOOTH DISEASE, AXONAL, AUTOSOMAL DOMINANT, TYPE 2U. Identifiers: Orphanet 397735, MedGen C4084821, MONDO:0014566, OMIM 616280.

Submission:

Labcorp Genetics (formerly Invitae), Labcorp
Classification: Uncertain significance for Charcot-Marie-Tooth disease axonal type 2U; Severe early-onset pulmonary alveolar proteinosis due to MARS deficiency. Last evaluated: 2023-06-07. Review status: criteria provided, single submitter. Criteria: Invitae Variant Classification Sherloc (09022015). Collection method: clinical testing. Allele origin: germline.
Comment: An algorithm developed to predict the effect of missense changes on protein structure and function (PolyPhen-2) suggests that this variant is likely to be tolerated. This variant has not been reported in the literature in individuals affected with MARS-related conditions. This variant is not present in population databases (gnomAD no frequency). This sequence change replaces threonine, which is neutral and polar, with alanine, which is neutral and non-polar, at codon 636 of the MARS protein (p.Thr636Ala). In summary, the available evidence is currently insufficient to determine the role of this variant in disease. Therefore, it has been classified as a Variant of Uncertain Significance.